The following is an entry in ClinVar:

ClinVar aggregate classification (germline): Likely pathogenic. Review status: criteria provided, multiple submitters, no conflicts (2 of 4 stars). 2 submissions from 2 submitters: Likely pathogenic (2). Last evaluated 2024-06-20.

Conditions:
Joubert syndrome 17 (JBTS17). Identifiers: Orphanet 475, MedGen C3553264, MONDO:0013824, OMIM 614615.
Orofaciodigital syndrome type 6 (OFD6). Also called: OROFACIODIGITAL SYNDROME VI; OFDS VI; POLYDACTYLY, CLEFT LIP/PALATE OR LINGUAL LUMP, AND PSYCHOMOTOR RETARDATION; VARADI SYNDROME; VARADI-PAPP SYNDROME; Oral-facial-digital syndrome type 6. Identifiers: Orphanet 2754, MedGen C2745997, MONDO:0010176, OMIM 277170.

Submissions (2):

Sheng Clinic, Gansu Aier Optometry Hospital
Classification: Likely pathogenic for Joubert syndrome 17. Last evaluated: 2024-06-20. Review status: criteria provided, single submitter. Criteria: ACMG Guidelines, 2015. Collection method: clinical testing. Allele origin: germline. Affected: yes.

3billion
Classification: Likely pathogenic for Orofaciodigital syndrome type 6. Last evaluated: 2022-01-03. Review status: criteria provided, single submitter. Criteria: ACMG Guidelines, 2015. Collection method: clinical testing. Allele origin: germline. Affected: yes. Observed: 1 heterozygote.
Comment: Frameshift: predicted to result in a loss or disruption of normal protein function through nonsense-mediated decay (NMD) or protein truncation. Multiple pathogenic variants are reported downstream of the variant (PVS1_VS). It is not observed in the gnomAD v2.1.1 dataset (PM2_M). Therefore, this variant is classified as likely pathogenic according to the recommendation of ACMG/AMP guideline.

NM_001384732.1(CPLANE1):c.9441dup (p.His3148fs)

Gene: CPLANE1 (ciliogenesis and planar polarity effector complex subunit 1; minus strand). Cytogenetic location: 5p13.2.
Variant type: Duplication.
Coding change: c.9441dup on transcript NM_001384732.1 (MANE Select); coding-DNA position 9441, one base duplicated (A; older notation c.9441dupA).
Protein change: p.His3148fs; shifts the reading frame from histidine 3148.
Molecular consequence: frameshift variant.
Genome position (GRCh38, 1-based): chr5:37,108,431, T duplicated on the plus strand (A on the coding strand, the reverse complement: CPLANE1 is on the minus strand); the first of 7 consecutive T bases (chr5:37,108,431-37,108,437); duplicating any one gives the same sequence. VCF-style (leftmost placement, unchanged base first): chr5-37108430-G-GT. GRCh37 (hg19) VCF-style: chr5-37108532-G-GT.
Other names: c.9279dup (NM_023073.3); c.9279dup, p.His3094fs (NM_023073.4); short protein forms H3094fs, H3148fs.
Identifiers: ClinVar variation 1333433 (VCV001333433.2), dbSNP rs1579740974, ClinGen allele CA645544869.
Genomic context (GRCh38, chr5:37,108,430, plus strand): 5'-CCTCTCTTTCATACTCTACACACACCTGCTTGGTTTGAGGTGCAAGCCCAGCACTTCCAT[G>GT]TTTTTTTGTATGCTGCAGACTATGACACGGAGCATTAGAGCCTTTTAAGGGATAAGAACA-3'